The following is an entry in ClinVar:

ClinVar aggregate classification (germline): Pathogenic (1 of 4 stars; one submission).

Submission:

Labcorp Genetics (formerly Invitae), Labcorp
Classification: Pathogenic. Last evaluated: 2024-06-10. Review status: criteria provided, single submitter. Criteria: Invitae Variant Classification Sherloc (09022015). Collection method: clinical testing. Allele origin: germline.
Comment: This sequence change creates a premature translational stop signal (p.Gln45*) in the MYO3A gene. It is expected to result in an absent or disrupted protein product. Loss-of-function variants in MYO3A are known to be pathogenic (PMID: 12032315, 23990876). This variant is not present in population databases (gnomAD no frequency). This variant has not been reported in the literature in individuals affected with MYO3A-related conditions. For these reasons, this variant has been classified as Pathogenic.

Literature cited by the submitters: PubMed 12032315; PubMed 23990876.

NM_017433.5(MYO3A):c.133C>T (p.Gln45Ter)

Gene: MYO3A (myosin IIIA; plus strand). Cytogenetic location: 10p12.1.
Variant type: single nucleotide variant.
Coding change: c.133C>T on transcript NM_017433.5 (MANE Select); coding-DNA position 133, C replaced by T.
Protein change: p.Gln45Ter; replaces glutamine 45 with a stop codon.
Molecular consequence: nonsense.
Genome position (GRCh38, 1-based): chr10:25,952,243, C>T. VCF-style: chr10-25952243-C-T. GRCh37 (hg19) VCF-style: chr10-26241172-C-T.
Other names: c.133C>T, p.Gln45Ter (NM_001368265.1); short protein forms Q45*.
Identifiers: ClinVar variation 2707261 (VCV002707261.3), dbSNP rs2491708231, ClinGen allele CA376331589.